The following is an entry in ClinVar:

NM_000535.7(PMS2):c.251-8_251-7insTT

Gene: PMS2 (PMS1 homolog 2, mismatch repair system component; minus strand). Cytogenetic location: 7p22.1.
Variant type: Insertion.
Coding change: c.251-8_251-7insTT on transcript NM_000535.7 (MANE Select); 8 bases into the intron before coding-DNA position 251 through 7 bases into the intron before coding-DNA position 251, TT inserted.
Molecular consequence: intron variant. On other transcripts: frameshift variant (1).
Genome position: GRCh38 VCF-style: chr7-6003799-G-GAA. GRCh37 (hg19) VCF-style: chr7-6043430-G-GAA.
Other names: c.267_268insTT, p.Leu90fs (NM_001406868.1); c.35+172_35+173insTT (NM_001322008.2, NM_001406902.1, NM_001406883.1 and 4 more transcripts); c.-132+172_-132+173insTT (NM_001406881.1, NM_001406900.1); c.-102-8_-102-7insTT (NM_001406895.1, NM_001406904.1, NM_001406889.1 and 6 more transcripts); c.-155-8_-155-7insTT (NM_001406911.1, NM_001322010.2, NM_001322004.2 and 13 more transcripts); c.-234-8_-234-7insTT (NM_001406879.1, NM_001322015.2, NM_001406878.1 and 3 more transcripts); c.-634-8_-634-7insTT (NM_001322012.2, NM_001322011.2); c.-52-1164_-52-1163insTT (NM_001406896.1); and 5 more; short protein forms L90fs.
Identifiers: ClinVar variation 3904330 (VCV003904330.1).

ClinVar aggregate classification (germline): Likely benign (1 of 4 stars; one submission).

Conditions:
Lynch syndrome 4 (LYNCH4). Also called: Colorectal cancer, hereditary nonpolyposis, type 4; Hereditary non-polyposis colorectal cancer, type 4. Identifiers: Orphanet 144, MedGen C1838333, MONDO:0013699, OMIM 614337. Disease mechanism: loss of function.

Submission:

Myriad Genetics, Inc.
Classification: Likely benign for Lynch syndrome 4. Last evaluated: 2025-01-24. Review status: criteria provided, single submitter. Criteria: Myriad Autosomal Dominant, Autosomal Recessive and X-Linked Classification Criteria (2023). Collection method: clinical testing. Allele origin: unknown.
Comment: This variant is considered likely benign. This variant is intronic and is not expected to impact mRNA splicing.